The following is an entry in ClinVar:

ClinVar aggregate classification (germline): Uncertain significance. Review status: criteria provided, multiple submitters, no conflicts (2 of 4 stars). 2 submissions from 2 submitters: Uncertain significance (2). Last evaluated 2025-05-12.

Conditions:
Ehlers-Danlos syndrome, classic type, 1 (EDSCL1). Also called: EHLERS-DANLOS SYNDROME, GRAVIS TYPE; EHLERS-DANLOS SYNDROME, SEVERE CLASSIC TYPE; Ehlers-Danlos syndrome, type 1; Ehlers-Danlos Syndrome, Classic Type, COL5A1-Related; EDS I. Identifiers: MedGen C0268335, MONDO:0019567, OMIM 130000.

Submissions (2):

Labcorp Genetics (formerly Invitae), Labcorp
Classification: Uncertain significance for Ehlers-Danlos syndrome, classic type, 1. Last evaluated: 2025-05-12. Review status: criteria provided, single submitter. Criteria: Invitae Variant Classification Sherloc (09022015). Collection method: clinical testing. Allele origin: germline.
Comment: This sequence change replaces methionine, which is neutral and non-polar, with valine, which is neutral and non-polar, at codon 763 of the COL5A2 protein (p.Met763Val). This variant is not present in population databases (gnomAD no frequency). This variant has not been reported in the literature in individuals affected with COL5A2-related conditions. Invitae Evidence Modeling of protein sequence and biophysical properties (such as structural, functional, and spatial information, amino acid conservation, physicochemical variation, residue mobility, and thermodynamic stability) indicates that this missense variant is not expected to disrupt COL5A2 protein function with a negative predictive value of 80%. In summary, the available evidence is currently insufficient to determine the role of this variant in disease. Therefore, it has been classified as a Variant of Uncertain Significance.

Mayo Clinic Laboratories, Mayo Clinic
Classification: Uncertain significance. Last evaluated: 2025-01-17. Review status: criteria provided, single submitter. Criteria: ACMG Guidelines, 2015. Collection method: clinical testing. Allele origin: germline. Observed: 1 variant allele.
Comment: PM2_supporting

NM_000393.5(COL5A2):c.2287A>G (p.Met763Val)

Gene: COL5A2 (collagen type V alpha 2 chain; minus strand). Cytogenetic location: 2q32.2.
Variant type: single nucleotide variant.
Coding change: c.2287A>G on transcript NM_000393.5 (MANE Select); coding-DNA position 2287, A replaced by G.
Protein change: p.Met763Val; replaces methionine 763 with valine.
Molecular consequence: missense variant.
Genome position (GRCh38, 1-based): chr2:189,057,370, T>C on the plus strand (A>G on the coding strand, the complement: COL5A2 is on the minus strand). VCF-style: chr2-189057370-T-C. GRCh37 (hg19) VCF-style: chr2-189922096-T-C.
Other names: p.Met763Val; short protein forms M763V.
Identifiers: ClinVar variation 4540786 (VCV004540786.2).